The following is an entry in ClinVar:

NM_020884.7(MYH7B):c.4070A>C (p.Glu1357Ala)

Gene: MYH7B (myosin heavy chain 7B; plus strand). Cytogenetic location: 20q11.22.
Variant type: single nucleotide variant.
Coding change: c.4070A>C on transcript NM_020884.7 (MANE Select); coding-DNA position 4070, A replaced by C.
Protein change: p.Glu1357Ala; replaces glutamic acid 1357 with alanine.
Molecular consequence: missense variant.
Genome position (GRCh38, 1-based): chr20:34,998,795, A>C. VCF-style: chr20-34998795-A-C. GRCh37 (hg19) VCF-style: chr20-33586598-A-C.
Other names: c.4196A>C (NM_020884.4, NM_020884.3); short protein forms E1357A.
Identifiers: ClinVar variation 1297698 (VCV001297698.9), dbSNP rs202122911, ClinGen allele CA9827990.

ClinVar aggregate classification (germline): Conflicting classifications of pathogenicity. Review status: criteria provided, conflicting classifications (1 of 4 stars). 5 submissions from 5 submitters: Uncertain significance (1); Likely benign (1). 3 of the submissions do not count toward it. Last evaluated 2025-12-17.

Conditions:
MYH7B-related disorder. Also called: MYH7B-related condition.

Allele frequency attached by ClinVar (database versions not stated): 1000 Genomes Project 0.00080; TOPMed 0.00129; gnomAD 0.00096 and 0.00103; ESP Exome Variant Server 0.00085; 1000 Genomes Project 30x 0.00094.
gnomAD v4.1: 407 of 1,613,202 alleles (0.025%); highest among the groups gnomAD compares: African/African-American, 0.39%; 1 homozygote.

Submissions (5):

Labcorp Genetics (formerly Invitae), Labcorp
Classification: Likely benign. Last evaluated: 2025-12-17. Review status: criteria provided, single submitter. Criteria: Invitae Variant Classification Sherloc (09022015). Collection method: clinical testing. Allele origin: germline.

Ambry Genetics
Classification: Uncertain significance. Last evaluated: 2025-08-30. Review status: criteria provided, single submitter. Criteria: Ambry Variant Classification Scheme 2023. Collection method: clinical testing. Allele origin: germline.

PreventionGenetics, part of Exact Sciences
Classification: Likely benign for MYH7B-related condition. Last evaluated: 2024-08-11. Review status: no assertion criteria provided. Collection method: clinical testing. Allele origin: germline. Not counted in ClinVar's aggregate classification.
Comment: This variant is classified as likely benign based on ACMG/AMP sequence variant interpretation guidelines (Richards et al. 2015 PMID: 25741868, with internal and published modifications).

Clinical Genetics DNA and cytogenetics Diagnostics Lab, Erasmus MC, Erasmus Medical Center
Classification: Uncertain significance. Review status: no assertion criteria provided. Collection method: clinical testing. Allele origin: germline. Affected: yes. Study: VKGL Data-share Consensus. Not counted in ClinVar's aggregate classification.

Joint Genome Diagnostic Labs from Nijmegen and Maastricht, Radboudumc and MUMC+
Classification: Uncertain significance. Review status: no assertion criteria provided. Collection method: clinical testing. Allele origin: germline. Affected: yes. Study: VKGL Data-share Consensus. Not counted in ClinVar's aggregate classification.